The following is an entry in ClinVar:

ClinVar aggregate classification (germline): Likely benign. Review status: criteria provided, multiple submitters, no conflicts (2 of 4 stars). 5 submissions from 5 submitters: Likely benign (2). 3 of the submissions do not count toward it. Last evaluated 2025-05-19.

Conditions:
Familial thoracic aortic aneurysm and aortic dissection (TAAD). Also called: Thoracic aortic aneurysms and dissections. Identifiers: Orphanet 91387, MedGen C4707243, MONDO:0019625.
COL5A1-related disorder. Also called: COL5A1-related condition.
Ehlers-Danlos syndrome, classic type, 1 (EDSCL1). Also called: EHLERS-DANLOS SYNDROME, GRAVIS TYPE; EHLERS-DANLOS SYNDROME, SEVERE CLASSIC TYPE; Ehlers-Danlos syndrome, type 1; Ehlers-Danlos Syndrome, Classic Type, COL5A1-Related; EDS I. Identifiers: MedGen C0268335, MONDO:0019567, OMIM 130000.

Allele frequency attached by ClinVar (database versions not stated): ExAC 0.00001; gnomAD exomes 0.00003; TOPMed 0.00003; gnomAD 0.00001 and 0.00002.
gnomAD v4.1: 48 of 1,614,120 alleles (0.003%); highest among the groups gnomAD compares: Admixed American, 0.0067%; no homozygotes.

Submissions (5):

Labcorp Genetics (formerly Invitae), Labcorp
Classification: Likely benign for Ehlers-Danlos syndrome, classic type, 1. Last evaluated: 2025-05-19. Review status: criteria provided, single submitter. Criteria: Invitae Variant Classification Sherloc (09022015). Collection method: clinical testing. Allele origin: germline.

Ambry Genetics
Classification: Likely benign for Familial thoracic aortic aneurysm and aortic dissection. Last evaluated: 2023-10-05. Review status: criteria provided, single submitter. Criteria: Ambry Variant Classification Scheme 2023. Collection method: clinical testing. Allele origin: germline.

PreventionGenetics, part of Exact Sciences
Classification: Likely benign for COL5A1-related condition. Last evaluated: 2023-04-14. Review status: no assertion criteria provided. Collection method: clinical testing. Allele origin: germline. Not counted in ClinVar's aggregate classification.
Comment: This variant is classified as likely benign based on ACMG/AMP sequence variant interpretation guidelines (Richards et al. 2015 PMID: 25741868, with internal and published modifications).

Clinical Genetics DNA and cytogenetics Diagnostics Lab, Erasmus MC, Erasmus Medical Center
Classification: Likely benign. Review status: no assertion criteria provided. Collection method: clinical testing. Allele origin: germline. Affected: yes. Study: VKGL Data-share Consensus. Not counted in ClinVar's aggregate classification.

Genome Diagnostics Laboratory, University Medical Center Utrecht
Classification: Likely benign. Review status: no assertion criteria provided. Collection method: clinical testing. Allele origin: germline. Affected: yes. Study: VKGL Data-share Consensus. Not counted in ClinVar's aggregate classification.

NM_000093.5(COL5A1):c.1005C>T (p.Ile335=)

Gene: COL5A1 (collagen type V alpha 1 chain; plus strand). Cytogenetic location: 9q34.3.
Variant type: single nucleotide variant.
Coding change: c.1005C>T on transcript NM_000093.5 (MANE Select); coding-DNA position 1005, C replaced by T.
Protein change: p.Ile335=; no amino-acid change (isoleucine 335 retained).
Molecular consequence: synonymous variant.
Genome position (GRCh38, 1-based): chr9:134,730,316, C>T. VCF-style: chr9-134730316-C-T. GRCh37 (hg19) VCF-style: chr9-137622162-C-T.
Other names: c.1005C>T (NM_000093.4, NM_000093.3); c.1005C>T, p.Ile335= (NM_001278074.1).
Identifiers: ClinVar variation 1128879 (VCV001128879.15), dbSNP rs761397885, ClinGen allele CA5318616.